The following is an entry in ClinVar:

ClinVar aggregate classification (germline): Uncertain significance (1 of 4 stars; one submission).

Conditions:
Perlman syndrome (PRLMNS). Identifiers: Orphanet 2849, MedGen C0796113, MONDO:0009965, OMIM 267000.

Allele frequency attached by ClinVar (database versions not stated): gnomAD exomes 0.00001.
gnomAD v4.1: 3 of 1,604,408 alleles (0.00019%); highest among the groups gnomAD compares: Non-Finnish European, 0.00026%; no homozygotes.

Submission:

Labcorp Genetics (formerly Invitae), Labcorp
Classification: Uncertain significance for Perlman syndrome. Last evaluated: 2023-10-17. Review status: criteria provided, single submitter. Criteria: Invitae Variant Classification Sherloc (09022015). Collection method: clinical testing. Allele origin: germline.
Comment: This sequence change replaces histidine, which is basic and polar, with glutamine, which is neutral and polar, at codon 81 of the DIS3L2 protein (p.His81Gln). This variant is not present in population databases (gnomAD no frequency). This variant has not been reported in the literature in individuals affected with DIS3L2-related conditions. ClinVar contains an entry for this variant (Variation ID: 1007062). An algorithm developed to predict the effect of missense changes on protein structure and function (PolyPhen-2) suggests that this variant is likely to be tolerated. In summary, the available evidence is currently insufficient to determine the role of this variant in disease. Therefore, it has been classified as a Variant of Uncertain Significance.

NM_152383.5(DIS3L2):c.243T>G (p.His81Gln)

Gene: DIS3L2 (DIS3 like 3'-5' exoribonuclease 2; plus strand). Cytogenetic location: 2q37.1.
Variant type: single nucleotide variant.
Coding change: c.243T>G on transcript NM_152383.5 (MANE Select); coding-DNA position 243, T replaced by G.
Protein change: p.His81Gln; replaces histidine 81 with glutamine.
Molecular consequence: missense variant. On other transcripts: non-coding transcript variant (2).
Genome position (GRCh38, 1-based): chr2:232,024,309, T>G. VCF-style: chr2-232024309-T-G. GRCh37 (hg19) VCF-style: chr2-232889019-T-G.
Other names: c.243T>G, p.His81Gln (NM_001257281.2, NM_001257282.2); short protein forms H81Q.
Identifiers: ClinVar variation 1007062 (VCV001007062.6), dbSNP rs1422047527, ClinGen allele CA351152783.